The following is an entry in ClinVar:

ClinVar aggregate classification (germline): Uncertain significance (1 of 4 stars; one submission).

Conditions:
Leber congenital amaurosis 3 (LCA3). Also called: SPATA7-Related Retinitis Pigmentosa. Identifiers: MedGen C1858677, MONDO:0011415, OMIM 604232.

Allele frequency attached by ClinVar (database versions not stated): TOPMed below 0.00001.
gnomAD v4.1: 2 of 1,611,098 alleles (0.00012%); highest among the groups gnomAD compares: Non-Finnish European, 0.00017%; no homozygotes.

Submission:

Labcorp Genetics (formerly Invitae), Labcorp
Classification: Uncertain significance for Leber congenital amaurosis 3. Last evaluated: 2020-07-09. Review status: criteria provided, single submitter. Criteria: Invitae Variant Classification Sherloc (09022015). Collection method: clinical testing. Allele origin: germline.
Comment: This sequence change replaces alanine with serine at codon 336 of the SPATA7 protein (p.Ala336Ser). The alanine residue is weakly conserved and there is a moderate physicochemical difference between alanine and serine. This variant is not present in population databases (ExAC no frequency). This variant has not been reported in the literature in individuals with SPATA7-related conditions. Algorithms developed to predict the effect of missense changes on protein structure and function (SIFT, PolyPhen-2, Align-GVGD) all suggest that this variant is likely to be tolerated, but these predictions have not been confirmed by published functional studies and their clinical significance is uncertain. In summary, the available evidence is currently insufficient to determine the role of this variant in disease. Therefore, it has been classified as a Variant of Uncertain Significance.

NM_018418.5(SPATA7):c.1006G>T (p.Ala336Ser)

Gene: SPATA7 (spermatogenesis associated 7; plus strand). Cytogenetic location: 14q31.3.
Variant type: single nucleotide variant.
Coding change: c.1006G>T on transcript NM_018418.5 (MANE Select); coding-DNA position 1006, G replaced by T.
Protein change: p.Ala336Ser; replaces alanine 336 with serine.
Molecular consequence: missense variant.
Genome position (GRCh38, 1-based): chr14:88,429,441, G>T. VCF-style: chr14-88429441-G-T. GRCh37 (hg19) VCF-style: chr14-88895785-G-T.
Other names: c.910G>T, p.Ala304Ser (NM_001040428.4); short protein forms A304S, A336S.
Identifiers: ClinVar variation 1018169 (VCV001018169.8), dbSNP rs765393196, ClinGen allele CA390567455.